The following is an entry in ClinVar:

NC_000016.9:g.(23619334_23625324)_(23625413_23632682)del

Gene: PALB2 (partner and localizer of BRCA2; minus strand). Cytogenetic location: 16p12.2.
Variant type: Deletion.
Identifiers: ClinVar variation 1217239 (VCV001217239.2).

ClinVar aggregate classification (germline): Pathogenic (1 of 4 stars; one submission).

Conditions:
Malignant tumor of breast. Also called: Malignant breast neoplasm; Cancer breast. Identifiers: MedGen C0006142, MONDO:0007254. Disease mechanism: loss of function.

Submission:

Women's Health and Genetics/Laboratory Corporation of America, LabCorp
Classification: Pathogenic for Malignant tumor of breast. Last evaluated: 2021-08-11. Review status: criteria provided, single submitter. Criteria: LabCorp Variant Classification Summary - May 2015. Collection method: clinical testing. Allele origin: germline.
Comment: Variant summary: The variant identified by MLPA or other technology involves the deletion of exon 11 in the PALB2 gene. A presumed nomenclature of c.(3113+1_3114-1)_(3201+1_3202-1)del has been designated for the purposes of this classification. Although exact breakpoints of this deletion are not known, it is expected to result in a frameshift deletion change in the PALB2 gene, a known mechanism of disease. The variant allele was found at a frequency of 4.6e-05 in 21694 control chromosomes (gnomAD, Structural Variants dataset). Deletion of exon 11 has been reported in the literature in multiple individuals affected with colorectal, breast, cervical and prostate cancer (Pearlman_2016, Pritchard_2016, Schrader_2016, Susswein_2016). These data indicate that the variant is very likely to be associated with disease. To our knowledge, no experimental evidence demonstrating an impact on protein function has been reported. Two ClinVar submitters (evaluation after 2014) cite the variant as pathogenic. Based on the evidence outlined above, the variant was classified as pathogenic.

Literature cited by the submitters: PubMed 26681312; PubMed 26556299; PubMed 27433846; PubMed 27978560.